The following is an entry in ClinVar:

ClinVar aggregate classification (germline): Uncertain significance (1 of 4 stars; one submission).

Conditions:
Cardiovascular phenotype. Identifiers: MedGen CN230736.
Hereditary cancer-predisposing syndrome. Also called: Neoplastic Syndromes, Hereditary; Tumor predisposition; Hereditary Cancer Syndrome; Hereditary neoplastic syndrome. Identifiers: Orphanet 140162, MedGen C0027672, MeSH D009386, MONDO:0015356.

Submission:

Ambry Genetics
Classification: Uncertain significance for Cardiovascular phenotype; Hereditary cancer-predisposing syndrome. Last evaluated: 2025-09-24. Review status: criteria provided, single submitter. Criteria: Ambry Variant Classification Scheme 2023. Collection method: clinical testing. Allele origin: germline.
Comment: The p.A74G variant (also known as c.221C>G), located in coding exon 3 of the NF1 gene, results from a C to G substitution at nucleotide position 221. The alanine at codon 74 is replaced by glycine, an amino acid with similar properties. This amino acid position is well conserved in available vertebrate species. In addition, this alteration is predicted to be tolerated by in silico analysis. Based on the available evidence, the clinical significance of this variant remains unclear.

NM_001042492.3(NF1):c.221C>G (p.Ala74Gly)

Gene: NF1 (neurofibromin 1; plus strand). Cytogenetic location: 17q11.2.
Variant type: single nucleotide variant.
Coding change: c.221C>G on transcript NM_001042492.3 (MANE Select); coding-DNA position 221, C replaced by G.
Protein change: p.Ala74Gly; replaces alanine 74 with glycine.
Molecular consequence: missense variant.
Genome position (GRCh38, 1-based): chr17:31,159,026, C>G. VCF-style: chr17-31159026-C-G. GRCh37 (hg19) VCF-style: chr17-29486044-C-G.
Other names: c.221C>G, p.Ala74Gly (NM_000267.4, NM_001128147.3); short protein forms A74G.
Identifiers: ClinVar variation 4615712 (VCV004615712.1).